The following is an entry in ClinVar:

NM_133372.3(FNIP1):c.1671AGA[1] (p.Glu558del)

Gene: FNIP1 (folliculin interacting protein 1; minus strand). Cytogenetic location: 5q31.1.
Variant type: Microsatellite.
Coding change: c.1671AGA[1] on transcript NM_133372.3 (MANE Select); one copy of the 3-base unit AGA starting at c.1671; the reference has two copies in a row; one copy, 3 bases deleted.
Protein change: p.Glu558del; deletes glutamic acid 558.
Molecular consequence: inframe deletion.
Genome position (GRCh38, 1-based): chr5:131,672,768-131,672,770, TCT deleted on the plus strand (AGA on the coding strand, the reverse complement: FNIP1 is on the minus strand); deleting any 3 consecutive bases within chr5:131,672,768-131,672,773 gives the same sequence; the position shown is the placement nearest the transcript's 3' end. VCF-style (leftmost placement, unchanged base first): chr5-131672767-ATCT-A. GRCh37 (hg19) VCF-style: chr5-131008460-ATCT-A.
Other names: c.1587AGA[1], p.Glu530del (NM_001008738.3); c.1536AGA[1], p.Glu513del (NM_001346114.2); short protein forms E513del, E530del, E558del.
Identifiers: ClinVar variation 1915943 (VCV001915943.5), dbSNP rs774239296, ClinGen allele CA3400622.

ClinVar aggregate classification (germline): Uncertain significance (1 of 4 stars; one submission).

Submission:

Labcorp Genetics (formerly Invitae), Labcorp
Classification: Uncertain significance. Last evaluated: 2022-03-17. Review status: criteria provided, single submitter. Criteria: Invitae Variant Classification Sherloc (09022015). Collection method: clinical testing. Allele origin: germline.
Comment: Experimental studies and prediction algorithms are not available or were not evaluated, and the functional significance of this variant is currently unknown. This variant has not been reported in the literature in individuals affected with FNIP1-related conditions. This variant is present in population databases (rs774239296, gnomAD 0.0009%). This variant, c.1674_1676del, results in the deletion of 1 amino acid(s) of the FNIP1 protein (p.Glu558del), but otherwise preserves the integrity of the reading frame. In summary, the available evidence is currently insufficient to determine the role of this variant in disease. Therefore, it has been classified as a Variant of Uncertain Significance.